The following is an entry in ClinVar:

NM_003742.4(ABCB11):c.85_87del (p.Asp29del)

Gene: ABCB11 (ATP binding cassette subfamily B member 11; minus strand). Cytogenetic location: 2q31.1.
Variant type: Deletion.
Coding change: c.85_87del on transcript NM_003742.4 (MANE Select); coding-DNA positions 85 to 87, 3 bases deleted (GAT; older notation c.85_87delGAT).
Protein change: p.Asp29del; deletes aspartic acid 29.
Molecular consequence: inframe deletion.
Genome position (GRCh38, 1-based): chr2:169,016,789-169,016,791, ATC deleted on the plus strand (GAT on the coding strand, the reverse complement: ABCB11 is on the minus strand); deleting any 3 consecutive bases within chr2:169,016,789-169,016,793 gives the same sequence; the c. name uses the placement nearest the transcript's 3' end. VCF-style (leftmost placement, unchanged base first): chr2-169016788-TATC-T. GRCh37 (hg19) VCF-style: chr2-169873298-TATC-T.
Other names: c.85_87del, p.Asp29del (LRG_1199t1); c.85_87delGAT (NM_003742.2); c.85_87del (NM_003742.2); short protein forms D29del.
Identifiers: ClinVar variation 499999 (VCV000499999.8), dbSNP rs748922246, ClinGen allele CA1951997.
Genomic context (GRCh38, chr2:169,016,788, plus strand): 5'-TATGGAGTTATTCTAGAAAAGATGCTGCATTGTTGAAATCAGTCACTTACCTTGATTTCT[TATC>T]ATTATTATCTGTCAGAAAAAAAAATCAACGCAAAAAAGCAGTTAATAATAATGACAAAAT-3'

ClinVar aggregate classification (germline): Uncertain significance. Review status: criteria provided, multiple submitters, no conflicts (2 of 4 stars). 4 submissions from 4 submitters: Uncertain significance (3). 1 of the submissions does not count toward it. Last evaluated 2026-04-14.

Conditions:
ABCB11-related disorder. Also called: ABCB11-related condition.
Familial intrahepatic cholestasis. Identifiers: Orphanet 284385, MedGen CN296401, MONDO:0017290.

Submissions (4):

Genomenon, Inc
Classification: Uncertain significance for Familial intrahepatic cholestasis. Last evaluated: 2026-04-14. Review status: criteria provided, single submitter. Criteria: Genomenon Sequence Variant Interpretation Standards - Updated. Collection method: curation. Allele origin: germline. Affected: yes.
Comment: ABCB11 p.Asp29del (c.85_87del) is an in-frame deletion variant that results in the loss of the Aspartic acid at residue 29. This variant has been observed in at least one proband with an ABCB11-related disorder (PMID:34961929). In conclusion, we classify ABCB11 p.Asp29del (c.85_87del) as a variant of uncertain significance.

GeneDx
Classification: Uncertain significance. Last evaluated: 2025-06-04. Review status: criteria provided, single submitter. Criteria: GeneDx Variant Classification Process June 2021. Collection method: clinical testing. Allele origin: germline. Affected: yes.
Comment: Reported previously as heterozygous in an individual with progressive familial intrahepatic cholestasis; a second variant in ABCB11 was not detected (PMID: 34961929); In-frame deletion of 1 amino acid(s) in a non-repeat region; In silico analysis suggests that this variant does not alter protein structure/function; This variant is associated with the following publications: (PMID: 34961929)

Eurofins Ntd Llc (ga)
Classification: Uncertain significance. Last evaluated: 2017-01-17. Review status: criteria provided, single submitter. Criteria: EGL Classification Definitions 2015. Collection method: clinical testing. Allele origin: germline. Observed: 1 variant allele, 1 heterozygote.

PreventionGenetics, part of Exact Sciences
Classification: Uncertain significance for ABCB11-related condition. Last evaluated: 2024-03-27. Review status: no assertion criteria provided. Collection method: clinical testing. Allele origin: germline. Not counted in ClinVar's aggregate classification.
Comment: The ABCB11 c.85_87delGAT variant is predicted to result in an in-frame deletion (p.Asp29del). This variant has been reported as heterozygous in an individual with progressive familial intrahepatic cholestasis (referred to as p.29delD in patient 18; Bakir et al. 2022. PubMed ID: 34961929). This variant is reported in 0.086% of alleles in individuals of South Asian descent in gnomAD. At this time, the clinical significance of this variant is uncertain due to the absence of conclusive functional and genetic evidence.

Literature cited by the submitters: PubMed 34961929 (cited by Genomenon, Inc).